The following is an entry in ClinVar:

ClinVar aggregate classification (germline): Uncertain significance (1 of 4 stars; one submission).

Conditions:
Cardiomyopathy (CMYO). Also called: Cardiomyopathies. Identifiers: Orphanet 167848, MedGen C0878544, MONDO:0004994, HP:0001638. Inheritance: Various modes of inheritance.

Submission:

Color Diagnostics, LLC DBA Color Health
Classification: Uncertain significance for Cardiomyopathy. Last evaluated: 2020-09-14. Review status: criteria provided, single submitter. Criteria: ACMG Guidelines, 2015. Collection method: clinical testing. Allele origin: germline.
Comment: This variant causes deletion of two nucleotides at position -7 in intron 29 of the MYBPC3 gene. To our knowledge, functional studies have not been reported for this variant. This variant has not been reported in individuals affected with cardiovascular disorders in the literature. This variant has not been identified in the general population by the Genome Aggregation Database (gnomAD). The available evidence is insufficient to determine the role of this variant in disease conclusively. Therefore, this variant is classified as a Variant of Uncertain Significance.

NM_000256.3(MYBPC3):c.3191-8_3191-7del

Gene: MYBPC3 (myosin binding protein C3; minus strand). Cytogenetic location: 11p11.2.
Variant type: Microsatellite.
Coding change: c.3191-8_3191-7del on transcript NM_000256.3 (MANE Select); 8 bases into the intron before coding-DNA position 3191 through 7 bases into the intron before coding-DNA position 3191, 2 bases deleted (TC; older notation c.3191-8_3191-7delTC).
Molecular consequence: intron variant.
Genome position (GRCh38, 1-based): chr11:47,333,340-47,333,341, GA deleted on the plus strand (TC on the coding strand, the reverse complement: MYBPC3 is on the minus strand); deleting any 2 consecutive bases within chr11:47,333,340-47,333,343 gives the same sequence; the c. name uses the placement nearest the transcript's 3' end. VCF-style (leftmost placement, unchanged base first): chr11-47333339-GGA-G. GRCh37 (hg19) VCF-style: chr11-47354890-GGA-G.
Identifiers: ClinVar variation 1172056 (VCV001172056.2), dbSNP rs2142851109, ClinGen allele CA2580615687.
Genomic context (GRCh38, chr11:47,333,339, plus strand): 5'-ACATTAAGACCCCAGGCGTCAGTCACCCGGAGATCCTGGGGAGGACTTGGCTTGTCTGCG[GGA>G]GACAGACCCAGTTGGGTCACCACGCCTCCTGACAGTGAGCAGGGGGTCACTGGCTCCAGG-3'